The following is an entry in ClinVar:

NM_001190274.2(FBXO11):c.1855G>A (p.Gly619Arg)

Gene: FBXO11 (F-box protein 11; minus strand). Cytogenetic location: 2p16.3.
Variant type: single nucleotide variant.
Coding change: c.1855G>A on transcript NM_001190274.2 (MANE Select); coding-DNA position 1855, G replaced by A.
Protein change: p.Gly619Arg; replaces glycine 619 with arginine.
Molecular consequence: missense variant.
Genome position (GRCh38, 1-based): chr2:47,819,021, C>T on the plus strand (G>A on the coding strand, the complement: FBXO11 is on the minus strand). VCF-style: chr2-47819021-C-T. GRCh37 (hg19) VCF-style: chr2-48046160-C-T.
Other names: c.1603G>A, p.Gly535Arg (NM_001374325.1, NM_025133.4); short protein forms G619R, G535R.
Identifiers: ClinVar variation 2309004 (VCV002309004.2), dbSNP rs2531058826, ClinGen allele CA346764051.

ClinVar aggregate classification (germline): Uncertain significance (1 of 4 stars; one submission).

Conditions:
Inborn genetic diseases. Identifiers: MedGen C0950123, MeSH D030342.

Submission:

Ambry Genetics
Classification: Uncertain significance for Inborn genetic diseases. Last evaluated: 2022-08-26. Review status: criteria provided, single submitter. Criteria: Ambry Variant Classification Scheme 2023. Collection method: clinical testing. Allele origin: germline.
Comment: The c.1855G>A (p.G619R) alteration is located in exon 15 (coding exon 15) of the FBXO11 gene. This alteration results from a G to A substitution at nucleotide position 1855, causing the glycine (G) at amino acid position 619 to be replaced by an arginine (R). This variant was not reported in population-based cohorts in the Genome Aggregation Database (gnomAD). This amino acid position is highly conserved in available vertebrate species. This missense alteration is located in a region that has a low rate of benign missense variation (Lek, 2016; Firth, 2009). This alteration is predicted to be deleterious by in silico analysis. Based on insufficient or conflicting evidence, the clinical significance of this alteration remains unclear.